The following is an entry in ClinVar:

ClinVar aggregate classification (germline): Uncertain significance. Review status: criteria provided, multiple submitters, no conflicts (2 of 4 stars). 2 submissions from 2 submitters: Uncertain significance (2). Last evaluated 2025-03-03.

Conditions:
Dilated cardiomyopathy 1O (CMD1O). Also called: CARDIOMYOPATHY, DILATED, WITH VENTRICULAR TACHYCARDIA. Identifiers: Orphanet 154, MedGen C1837839, MONDO:0012062, OMIM 608569.
Cardiovascular phenotype. Identifiers: MedGen CN230736.

gnomAD v4.1: 1 of 1,610,094 alleles (0.000062%); no homozygotes.

Submissions (2):

Ambry Genetics
Classification: Uncertain significance for Cardiovascular phenotype. Last evaluated: 2025-03-03. Review status: criteria provided, single submitter. Criteria: Ambry Variant Classification Scheme 2023. Collection method: clinical testing. Allele origin: germline.
Comment: The c.573G>A variant (also known as p.R191R), located in coding exon 4 of the ABCC9 gene, results from a G to A substitution at nucleotide position 573. This nucleotide substitution does not change the at codon 191. However, this change occurs in the last base pair of coding exon 4, which makes it likely to have some effect on normal mRNA splicing. This nucleotide position is poorly conserved in available vertebrate species. In silico splice site analysis predicts that this alteration may weaken the native splice donor site. Based on the available evidence, the clinical significance of this variant remains unclear.

Labcorp Genetics (formerly Invitae), Labcorp
Classification: Uncertain significance for Dilated cardiomyopathy 1O. Last evaluated: 2023-11-17. Review status: criteria provided, single submitter. Criteria: Invitae Variant Classification Sherloc (09022015). Collection method: clinical testing. Allele origin: germline.
Comment: This sequence change affects codon 191 of the ABCC9 mRNA. It is a 'silent' change, meaning that it does not change the encoded amino acid sequence of the ABCC9 protein. This variant also falls at the last nucleotide of exon 4, which is part of the consensus splice site for this exon. This variant is not present in population databases (gnomAD no frequency). This variant has not been reported in the literature in individuals affected with ABCC9-related conditions. Variants that disrupt the consensus splice site are a relatively common cause of aberrant splicing (PMID: 17576681, 9536098). Algorithms developed to predict the effect of sequence changes on RNA splicing suggest that this variant is not likely to affect RNA splicing. In summary, the available evidence is currently insufficient to determine the role of this variant in disease. Therefore, it has been classified as a Variant of Uncertain Significance.

Literature cited by the submitters: PubMed 17576681 (cited by Labcorp Genetics (formerly Invitae), Labcorp); PubMed 9536098 (cited by Labcorp Genetics (formerly Invitae), Labcorp).

NM_020297.4(ABCC9):c.573G>A (p.Arg191=)

Gene: ABCC9 (ATP binding cassette subfamily C member 9; minus strand). Cytogenetic location: 12p12.1.
Variant type: single nucleotide variant.
Coding change: c.573G>A on transcript NM_020297.4 (MANE Select); coding-DNA position 573, G replaced by A.
Protein change: p.Arg191=; no amino-acid change (arginine 191 retained).
Molecular consequence: synonymous variant. On other transcripts: intron variant (1).
Genome position (GRCh38, 1-based): chr12:21,916,937, C>T on the plus strand (G>A on the coding strand, the complement: ABCC9 is on the minus strand). VCF-style: chr12-21916937-C-T. GRCh37 (hg19) VCF-style: chr12-22069871-C-T.
Other names: c.-48-3871G>A (NM_001377274.1); c.573G>A, p.Arg191= (NM_001377273.1, NM_005691.4).
Identifiers: ClinVar variation 3014472 (VCV003014472.4), dbSNP rs1948622763, ClinGen allele CA478871938.